The following is an entry in ClinVar:

ClinVar aggregate classification (germline): Pathogenic (1 of 4 stars; one submission).

Submission:

ISCA site 15
Classification: Pathogenic. Last evaluated: 2011-08-12. Review status: criteria provided, single submitter. Criteria: Kaminsky et al. (Genet Med. 2011). Collection method: clinical testing. Allele origin: de novo. Affected: yes. Observed: 1 variant allele.
Comment: Copy number variation identified through the course of routine clinical cytogenomic testing in postnatal populations. Clinical assertions have been curated as described in Kaminsky et al. 2011.

GRCh38/hg38 21q22.3(chr21:45110477-46648012)x1

Genes: ADARB1 (adenosine deaminase RNA specific B1; plus strand), BNAT1 (breast cancer associated ESR1 regulating natural antisense transcript 1; minus strand), C21orf58 (chromosome 21 open reading frame 58; minus strand), COL18A1 (collagen type XVIII alpha 1 chain; plus strand), COL18A1-AS1 (COL18A1 antisense RNA 1; minus strand) and 86 more. Cytogenetic location: 21q22.3.
Variant type: copy number loss.
Change: copy number 1 (one copy instead of two) of chr21:45,110,477-46,648,012 (1.54 Mb, GRCh38 coordinates, 1-based), cytogenetic band 21q22.3.
Identifiers: ClinVar variation 59046 (VCV000059046.2).